The following is an entry in ClinVar:

NM_004415.4(DSP):c.73G>T (p.Asp25Tyr)

Genes: DSP-AS1 (DSP antisense RNA 1; minus strand), DSP (desmoplakin; plus strand). Cytogenetic location: 6p24.3.
Variant type: single nucleotide variant.
Coding change: c.73G>T on transcript NM_004415.4 (MANE Select); coding-DNA position 73, G replaced by T.
Protein change: p.Asp25Tyr; replaces aspartic acid 25 with tyrosine.
Molecular consequence: missense variant.
Genome position (GRCh38, 1-based): chr6:7,541,988, G>T. VCF-style: chr6-7541988-G-T. GRCh37 (hg19) VCF-style: chr6-7542221-G-T.
Other names: c.73G>T, p.Asp25Tyr (NM_001008844.3, NM_001319034.2); short protein forms D25Y.
Identifiers: ClinVar variation 1463598 (VCV001463598.9), dbSNP rs2113628779, ClinGen allele CA362675684.

ClinVar aggregate classification (germline): Uncertain significance. Review status: criteria provided, multiple submitters, no conflicts (2 of 4 stars). 2 submissions from 2 submitters: Uncertain significance (2). Last evaluated 2025-12-08.

Conditions:
Arrhythmogenic cardiomyopathy with wooly hair and keratoderma. Also called: PALMOPLANTAR KERATODERMA WITH LEFT VENTRICULAR CARDIOMYOPATHY AND WOOLLY HAIR; Arrhythmogenic cardiomyopathy with woolly hair and keratoderma; Carvajal syndrome; Dilated cardiomyopathy with woolly hair and keratoderma. Identifiers: Orphanet 65282, MedGen C1854063, MONDO:0011581, OMIM 605676.
Arrhythmogenic right ventricular dysplasia 8 (ARVD8). Also called: Arrhythmogenic Right Ventricular Dysplasia/Cardiomyopathy 8; ARRHYTHMOGENIC RIGHT VENTRICULAR DYSPLASIA, FAMILIAL, 8; ARRHYTHMOGENIC RIGHT VENTRICULAR CARDIOMYOPATHY 8. Identifiers: MedGen C1843896, MONDO:0011831, OMIM 607450.

Submissions (2):

Labcorp Genetics (formerly Invitae), Labcorp
Classification: Uncertain significance for Arrhythmogenic cardiomyopathy with wooly hair and keratoderma; Arrhythmogenic right ventricular dysplasia 8. Last evaluated: 2025-12-08. Review status: criteria provided, single submitter. Criteria: Invitae Variant Classification Sherloc (09022015). Collection method: clinical testing. Allele origin: germline.
Comment: This sequence change replaces aspartic acid, which is acidic and polar, with tyrosine, which is neutral and polar, at codon 25 of the DSP protein (p.Asp25Tyr). This variant is not present in population databases (gnomAD no frequency). This variant has not been reported in the literature in individuals affected with DSP-related conditions. ClinVar contains an entry for this variant (Variation ID: 1463598). An algorithm developed to predict the effect of missense changes on protein structure and function (PolyPhen-2) suggests that this variant is likely to be disruptive. In summary, the available evidence is currently insufficient to determine the role of this variant in disease. Therefore, it has been classified as a Variant of Uncertain Significance.

All of Us Research Program, National Institutes of Health
Classification: Uncertain significance for Arrhythmogenic cardiomyopathy with wooly hair and keratoderma. Last evaluated: 2023-06-26. Review status: criteria provided, single submitter. Criteria: ACMG Guidelines, 2015. Collection method: clinical testing. Allele origin: germline. Inheritance: Autosomal dominant inheritance. Observed: 1 variant allele, 1 heterozygote.
Comment: This missense variant replaces aspartic acid with tyrosine at codon 25 of the DSP protein. Computational prediction suggests that this variant may not impact protein structure and function (internally defined REVEL score threshold <= 0.5, PMID: 27666373). To our knowledge, functional studies have not been reported for this variant. This variant has not been reported in individuals affected with DSP-related disorders in the literature. This variant has not been identified in the general population by the Genome Aggregation Database (gnomAD). The available evidence is insufficient to determine the role of this variant in disease conclusively. Therefore, this variant is classified as a Variant of Uncertain Significance.

This study involves interpretation of variants in research participants for the purpose of population health screening. Participant phenotype was not available at the time of variant classification. Additional details can be found in publication PMID: 35346344, PMCID: PMC8962531